The following is an entry in ClinVar:

NM_201384.3(PLEC):c.6010C>T (p.Arg2004Trp)

Gene: PLEC (plectin; minus strand). Cytogenetic location: 8q24.3.
Variant type: single nucleotide variant.
Coding change: c.6010C>T on transcript NM_201384.3 (MANE Select); coding-DNA position 6010, C replaced by T.
Protein change: p.Arg2004Trp; replaces arginine 2004 with tryptophan.
Molecular consequence: missense variant.
Genome position (GRCh38, 1-based): chr8:143,923,919, G>A on the plus strand (C>T on the coding strand, the complement: PLEC is on the minus strand). VCF-style: chr8-143923919-G-A. GRCh37 (hg19) VCF-style: chr8-144998087-G-A.
Other names: c.6091C>T, p.Arg2031Trp (NM_000445.5); c.5968C>T, p.Arg1990Trp (NM_201378.4); c.5944C>T, p.Arg1982Trp (NM_201379.3); c.6421C>T, p.Arg2141Trp (NM_201380.4); c.5914C>T, p.Arg1972Trp (NM_201381.3); c.6010C>T, p.Arg2004Trp (NM_201382.4); c.6022C>T, p.Arg2008Trp (NM_201383.3); short protein forms R2004W, R2031W, R2008W, R1972W, R1982W, R1990W, R2141W.
Identifiers: ClinVar variation 538962 (VCV000538962.15), dbSNP rs369813798, ClinGen allele CA4926146.

ClinVar aggregate classification (germline): Uncertain significance. Review status: criteria provided, multiple submitters, no conflicts (2 of 4 stars). 5 submissions from 5 submitters: Uncertain significance (5). Last evaluated 2026-05-12.

Conditions:
Inborn genetic diseases. Identifiers: MedGen C0950123, MeSH D030342.
PLEC-related disorder. Also called: PLEC-related disorders; PLEC-related condition.
Epidermolysis bullosa simplex, Ogna type (EBS5A). Also called: Pidermolysis bullosa simplex 5A, Ogna type; EPIDERMOLYSIS BULLOSA SIMPLEX 5A, OGNA TYPE. Identifiers: Orphanet 79401, MedGen C0432317, MONDO:0007555, OMIM 131950.
Epidermolysis bullosa simplex 5B, with muscular dystrophy (EBS5B). Also called: Epidermolysis bullosa simplex with muscular dystrophy; EPIDERMOLYSIS BULLOSA SIMPLEX AND LIMB-GIRDLE MUSCULAR DYSTROPHY. Identifiers: Orphanet 257, MedGen C2931072, MONDO:0009181, OMIM 226670.
Epidermolysis bullosa simplex with nail dystrophy (EBS5D). Identifiers: MedGen C4225309, MONDO:0014661, OMIM 616487.
Autosomal recessive limb-girdle muscular dystrophy type 2Q (LGMDR17). Also called: MUSCULAR DYSTROPHY, LIMB-GIRDLE, AUTOSOMAL RECESSIVE 17. Identifiers: Orphanet 254361, MedGen C3150989, MONDO:0013390, OMIM 613723.
Epidermolysis bullosa simplex 5C, with pyloric atresia (EBS5C). Also called: PLEC-Related Epidermolysis Bullosa with Pyloric Atresia; Epidermolysis bullosa simplex with pyloric atresia; PLEC1-Related Epidermolysis Bullosa with Pyloric Atresia. Identifiers: Orphanet 158684, MedGen C2677349, MONDO:0012807, OMIM 612138.

Allele frequency attached by ClinVar (database versions not stated): gnomAD 0.00006 and 0.00007; TOPMed 0.00006; ExAC 0.00009; ESP Exome Variant Server 0.00018.
gnomAD v4.1: 267 of 1,594,826 alleles (0.017%); highest among the groups gnomAD compares: Non-Finnish European, 0.02%; no homozygotes.

Submissions (5):

PreventionGenetics, part of Exact Sciences
Classification: Uncertain significance for PLEC-related condition. Last evaluated: 2026-05-12. Review status: criteria provided, single submitter. Criteria: ACMG Guidelines, 2015. Collection method: clinical testing. Allele origin: germline.
Comment: The PLEC c.6091C>T variant is predicted to result in the amino acid substitution p.Arg2031Trp. To our knowledge, this variant has not been reported in the literature. This variant is reported in 0.013% of alleles in individuals of South Asian descent in gnomAD. At this time, the clinical significance of this variant is uncertain due to the absence of conclusive functional and genetic evidence.

Labcorp Genetics (formerly Invitae), Labcorp
Classification: Uncertain significance for Autosomal recessive limb-girdle muscular dystrophy type 2Q; Epidermolysis bullosa simplex, Ogna type; Epidermolysis bullosa simplex with nail dystrophy; Epidermolysis bullosa simplex 5C, with pyloric atresia; Epidermolysis bullosa simplex 5B, with muscular dystrophy. Last evaluated: 2025-12-08. Review status: criteria provided, single submitter. Criteria: Invitae Variant Classification Sherloc (09022015). Collection method: clinical testing. Allele origin: germline.
Comment: This sequence change replaces arginine, which is basic and polar, with tryptophan, which is neutral and slightly polar, at codon 2031 of the PLEC protein (p.Arg2031Trp). This variant is present in population databases (rs369813798, gnomAD 0.01%). This variant has not been reported in the literature in individuals affected with PLEC-related conditions. ClinVar contains an entry for this variant (Variation ID: 538962). Experimental studies and prediction algorithms are not available or were not evaluated, and the functional significance of this variant is currently unknown. In summary, the available evidence is currently insufficient to determine the role of this variant in disease. Therefore, it has been classified as a Variant of Uncertain Significance.

Ambry Genetics
Classification: Uncertain significance for Inborn genetic diseases. Last evaluated: 2024-02-12. Review status: criteria provided, single submitter. Criteria: Ambry Variant Classification Scheme 2023. Collection method: clinical testing. Allele origin: germline.

Revvity Omics, Revvity
Classification: Uncertain significance. Last evaluated: 2023-10-10. Review status: criteria provided, single submitter. Criteria: ACMG Guidelines, 2015. Collection method: clinical testing. Allele origin: germline.

GeneDx
Classification: Uncertain significance. Last evaluated: 2023-09-13. Review status: criteria provided, single submitter. Criteria: GeneDx Variant Classification Process June 2021. Collection method: clinical testing. Allele origin: germline. Affected: yes.
Comment: In silico analysis supports that this missense variant has a deleterious effect on protein structure/function; Missense variant in a gene in which most reported pathogenic variants are truncating/loss of function; Has not been previously published as pathogenic or benign to our knowledge